The following is an entry in ClinVar:

ClinVar aggregate classification (germline): Pathogenic/Likely pathogenic. Review status: criteria provided, multiple submitters, no conflicts (2 of 4 stars). 3 submissions from 3 submitters: Pathogenic (1); Likely pathogenic (2). Last evaluated 2026-01-18.

Conditions:
Pontoneocerebellar hypoplasia. Also called: Pontocerebellar hypoplasia; Non-syndromic pontocerebellar hypoplasia. Identifiers: Orphanet 98523, MedGen C1261175, MONDO:0020135.
Pontocerebellar hypoplasia type 6 (PCH6). Identifiers: Orphanet 166073, MedGen C1969084, MONDO:0012683, OMIM 611523.

Submissions (3):

Natera, Inc.
Classification: Likely pathogenic for Pontocerebellar hypoplasia, type 6. Last evaluated: 2026-01-18. Review status: criteria provided, single submitter. Criteria: Natera Variant Classification Schema (03/2026). Collection method: clinical testing. Allele origin: germline.
Comment: The c.436_437delCGinsA variant in RARS2 is a frameshift variant predicted to shift the reading frame beginning at codon 146 and leads to a stop codon 5 codons downstream. This variant is expected to result in nonsense mediated decay, truncation, or a dysfunctional protein product. This variant is rare in the general population with a frequency below the threshold expected for the associated phenotype(s). Given the available evidence, this variant is classified as Likely Pathogenic.

Women's Health and Genetics/Laboratory Corporation of America, LabCorp
Classification: Pathogenic for Pontoneocerebellar hypoplasia. Last evaluated: 2024-01-02. Review status: criteria provided, single submitter. Criteria: LabCorp Variant Classification Summary - May 2015. Collection method: clinical testing. Allele origin: germline.
Comment: Variant summary: RARS2 c.436_437delinsA (p.Arg146IlefsX5) results in a premature termination codon, predicted to cause a truncation of the encoded protein or absence of the protein due to nonsense mediated decay, which are commonly known mechanisms for disease. Variants downstream of this position have been classified as pathogenic in the ClinVar database. The variant was absent in 250174 control chromosomes. To our knowledge, no occurrence of c.436_437delinsA in individuals affected with Pontocerebellar Hypoplasia, Type 6 and no experimental evidence demonstrating its impact on protein function have been reported. One submitter has cited clinical-significance assessments for this variant to ClinVar after 2014 and has classified the variant as likely pathogenic. Based on the established association of loss of function variants in RARS2 gene with disease and the evidence outlined above, the variant was classified as pathogenic.

Baylor Genetics
Classification: Likely pathogenic for Pontocerebellar hypoplasia type 6. Last evaluated: 2023-10-18. Review status: criteria provided, single submitter. Criteria: ACMG Guidelines, 2015. Collection method: clinical testing. Allele origin: unknown.

NM_020320.5(RARS2):c.436_437delinsA (p.Arg146fs)

Gene: RARS2 (arginyl-tRNA synthetase 2, mitochondrial; minus strand). Cytogenetic location: 6q15.
Variant type: Indel.
Coding change: c.436_437delinsA on transcript NM_020320.5 (MANE Select); coding-DNA positions 436 to 437, CG replaced by A.
Protein change: p.Arg146fs; shifts the reading frame from arginine 146.
Molecular consequence: frameshift variant. On other transcripts: 5 prime UTR variant (5), non-coding transcript variant (15), intron variant (2).
Genome position (GRCh38, 1-based): chr6:87,548,605-87,548,606, CG replaced by T on the plus strand (CG replaced by A on the coding strand, the reverse complement: RARS2 is on the minus strand). VCF-style: chr6-87548605-CG-T. GRCh37 (hg19) VCF-style: chr6-88258323-CG-T.
Other names: c.436_437delinsA, p.Arg146fs (NM_001350505.2); c.-90_-89delinsA (NM_001350506.2, NM_001350507.2, NM_001350508.2 and 2 more transcripts); c.-74-2907_-74-2906delinsA (NM_001350509.2, NM_001318785.2); c.436_437delCGinsA (NM_020320.4); short protein forms R146fs.
Identifiers: ClinVar variation 2678239 (VCV002678239.3), dbSNP rs2484305794, ClinGen allele CA2695198307.